The following is an entry in ClinVar:

NM_000263.4(NAGLU):c.1390C>T (p.Arg464Ter)

Gene: NAGLU (N-acetyl-alpha-glucosaminidase; plus strand). Cytogenetic location: 17q21.2.
Variant type: single nucleotide variant.
Coding change: c.1390C>T on transcript NM_000263.4 (MANE Select); coding-DNA position 1390, C replaced by T.
Protein change: p.Arg464Ter; replaces arginine 464 with a stop codon.
Molecular consequence: nonsense.
Genome position (GRCh38, 1-based): chr17:42,543,396, C>T. VCF-style: chr17-42543396-C-T. GRCh37 (hg19) VCF-style: chr17-40695414-C-T.
Other names: short protein forms R464*.
Identifiers: ClinVar variation 552920 (VCV000552920.10), dbSNP rs138387856, ClinGen allele CA8577012.

ClinVar aggregate classification (germline): Pathogenic. Review status: criteria provided, multiple submitters, no conflicts (2 of 4 stars). 3 submissions from 3 submitters: Pathogenic (2). 1 of the submissions does not count toward it. Last evaluated 2024-08-13.

Conditions:
Mucopolysaccharidosis, MPS-III-B (MPS3B). Also called: SANFILIPPO SYNDROME B; MPS III B; MUCOPOLYSACCHARIDOSIS, TYPE IIIB; Mucopolysaccharidosis type IIIB (Sanfilippo B); MPS IIIB (Sanfilippo Syndrome Type B); N-ACETYL-ALPHA-D-GLUCOSAMINIDASE DEFICIENCY. Identifiers: Orphanet 79270, MedGen C0086648, MONDO:0009656, OMIM 252920.
Charcot-Marie-Tooth disease axonal type 2V. Also called: CHARCOT-MARIE-TOOTH NEUROPATHY, TYPE 2V; CHARCOT-MARIE-TOOTH DISEASE, AXONAL, AUTOSOMAL DOMINANT, TYPE 2V. Identifiers: Orphanet 447964, MedGen C5569050, MONDO:0014665, OMIM 616491.
Inborn genetic diseases. Identifiers: MedGen C0950123, MeSH D030342.

Allele frequency attached by ClinVar (database versions not stated): gnomAD exomes 0.00001 and below 0.00001; ExAC 0.00001; gnomAD 0.00001; ESP Exome Variant Server 0.00008.

Submissions (3):

Ambry Genetics
Classification: Pathogenic for Inborn genetic diseases. Last evaluated: 2024-08-13. Review status: criteria provided, single submitter. Criteria: Ambry Variant Classification Scheme 2023. Collection method: clinical testing. Allele origin: germline.
Comment: The c.1390C>T (p.R464*) alteration, located in exon 6 (coding exon 6) of the NAGLU gene, consists of a C to T substitution at nucleotide position 1390. This changes the amino acid from a arginine (R) to a stop codon at amino acid position 464. This alteration occurs at the 3' terminus of the NAGLU gene, is not expected to trigger nonsense-mediated mRNA decay, and impacts the last 37.7% of the protein. Premature stop codons are typically deleterious in nature. The impacted region is critical for protein function and a significant portion of the protein is affected (Ambry internal data). Based on data from gnomAD, the T allele has an overall frequency of 0.001% (3/234096) total alleles studied. The highest observed frequency was 0.002% (2/105026) of European (non-Finnish) alleles. This variant has been identified in the homozygous state and/or in conjunction with other NAGLU variant(s) in individual(s) with features consistent with Mucopolysaccharidosis type IIIB (Sheth, 2024). Based on the available evidence, this alteration is classified as pathogenic.

Labcorp Genetics (formerly Invitae), Labcorp
Classification: Pathogenic for Charcot-Marie-Tooth disease axonal type 2V; Mucopolysaccharidosis, MPS-III-B. Last evaluated: 2024-07-01. Review status: criteria provided, single submitter. Criteria: Invitae Variant Classification Sherloc (09022015). Collection method: clinical testing. Allele origin: germline.
Comment: This sequence change creates a premature translational stop signal (p.Arg464*) in the NAGLU gene. While this is not anticipated to result in nonsense mediated decay, it is expected to disrupt the last 280 amino acid(s) of the NAGLU protein. The frequency data for this variant in the population databases is considered unreliable, as metrics indicate poor data quality at this position in the gnomAD database. This variant has not been reported in the literature in individuals affected with NAGLU-related conditions. ClinVar contains an entry for this variant (Variation ID: 552920). This variant disrupts a region of the NAGLU protein in which other variant(s) (p.Arg626*) have been determined to be pathogenic (PMID: 8650226, 9832037, 10094189). This suggests that this is a clinically significant region of the protein, and that variants that disrupt it are likely to be disease-causing. For these reasons, this variant has been classified as Pathogenic.

Counsyl
Classification: Likely pathogenic for Mucopolysaccharidosis, MPS-III-B. Last evaluated: 2017-07-18. Review status: no assertion criteria provided. Collection method: clinical testing. Allele origin: unknown. Not counted in ClinVar's aggregate classification.

Literature cited by the submitters: PubMed 38730490 (cited by Ambry Genetics); PubMed 8650226 (cited by Labcorp Genetics (formerly Invitae), Labcorp); PubMed 9832037 (cited by Labcorp Genetics (formerly Invitae), Labcorp); PubMed 10094189 (cited by Labcorp Genetics (formerly Invitae), Labcorp).